The following is an entry in ClinVar:

NM_001365276.2(TNXB):c.8196G>A (p.Glu2732=)

Gene: TNXB (tenascin XB; minus strand). Cytogenetic location: 6p21.33.
Variant type: single nucleotide variant.
Coding change: c.8196G>A on transcript NM_001365276.2 (MANE Select); coding-DNA position 8196, G replaced by A.
Protein change: p.Glu2732=; no amino-acid change (glutamic acid 2732 retained).
Molecular consequence: synonymous variant.
Genome position (GRCh38, 1-based): chr6:32,056,122, C>T on the plus strand (G>A on the coding strand, the complement: TNXB is on the minus strand). VCF-style: chr6-32056122-C-T. GRCh37 (hg19) VCF-style: chr6-32023899-C-T.
Other names: c.8196G>A, p.Glu2732= (NM_019105.8).
Identifiers: ClinVar variation 1762362 (VCV001762362.3), dbSNP rs1246721363, ClinGen allele CA449820558.

ClinVar aggregate classification (germline): Likely benign. Review status: criteria provided, multiple submitters, no conflicts (2 of 4 stars). 2 submissions from 2 submitters: Likely benign (2). Last evaluated 2024-12-09.

Conditions:
Cardiovascular phenotype. Identifiers: MedGen CN230736.
TNXB-related disorder. Also called: TNXB-related condition.

Allele frequency attached by ClinVar (database versions not stated): gnomAD exomes 0.00001; TOPMed 0.00001; gnomAD 0.00002.

Submissions (2):

PreventionGenetics, part of Exact Sciences
Classification: Likely benign for TNXB-related condition. Last evaluated: 2024-12-09. Review status: criteria provided, single submitter. Criteria: ACMG Guidelines, 2015. Collection method: clinical testing. Allele origin: germline.
Comment: This variant is classified as likely benign based on ACMG/AMP sequence variant interpretation guidelines (Richards et al. 2015 PMID: 25741868, with internal and published modifications).

Ambry Genetics
Classification: Likely benign for Cardiovascular phenotype. Last evaluated: 2021-08-09. Review status: criteria provided, single submitter. Criteria: Ambry Variant Classification Scheme 2023. Collection method: clinical testing. Allele origin: germline.